The following is an entry in ClinVar:

NM_177438.3(DICER1):c.2530G>A (p.Glu844Lys)

Gene: DICER1 (dicer 1, ribonuclease III; minus strand). Cytogenetic location: 14q32.13.
Variant type: single nucleotide variant.
Coding change: c.2530G>A on transcript NM_177438.3 (MANE Select); coding-DNA position 2530, G replaced by A.
Protein change: p.Glu844Lys; replaces glutamic acid 844 with lysine.
Molecular consequence: missense variant.
Genome position (GRCh38, 1-based): chr14:95,108,000, C>T on the plus strand (G>A on the coding strand, the complement: DICER1 is on the minus strand). VCF-style: chr14-95108000-C-T. GRCh37 (hg19) VCF-style: chr14-95574337-C-T.
Other names: c.2530G>A, p.Glu844Lys (NM_001195573.1, NM_001271282.3, NM_001291628.2 and 1 more transcripts); short protein forms E844K.
Identifiers: ClinVar variation 821442 (VCV000821442.13), dbSNP rs1595380583, ClinGen allele CA390881829.

ClinVar aggregate classification (germline): Uncertain significance. Review status: criteria provided, multiple submitters, no conflicts (2 of 4 stars). 3 submissions from 3 submitters: Uncertain significance (3). Last evaluated 2024-12-19.

Conditions:
DICER1-related tumor predisposition. Also called: DICER1-related pleuropulmonary blastoma cancer predisposition syndrome; DICER1 syndrome. Identifiers: Orphanet 284343, MedGen C3839822, MONDO:0100216.
Hereditary cancer-predisposing syndrome. Also called: Hereditary Cancer Syndrome; Neoplastic Syndromes, Hereditary; Hereditary neoplastic syndrome; Tumor predisposition. Identifiers: Orphanet 140162, MedGen C0027672, MeSH D009386, MONDO:0015356.

Allele frequency attached by ClinVar (database versions not stated): gnomAD exomes below 0.00001.

Submissions (3):

Hereditary Cancer Group, L’Institut d'Investigació Biomèdica de Bellvitge
Classification: Uncertain significance for Hereditary cancer-predisposing syndrome. Last evaluated: 2024-12-19. Review status: criteria provided, single submitter. Criteria: Hatton et al. (Hum Mutat. 2023). Collection method: clinical testing. Allele origin: germline. Inheritance: Autosomal dominant inheritance. Affected: yes.
Comment: PM2_supporting, BP4

Labcorp Genetics (formerly Invitae), Labcorp
Classification: Uncertain significance for DICER1-related tumor predisposition. Last evaluated: 2022-11-03. Review status: criteria provided, single submitter. Criteria: Invitae Variant Classification Sherloc (09022015). Collection method: clinical testing. Allele origin: germline.
Comment: This variant is not present in population databases (gnomAD no frequency). In summary, the available evidence is currently insufficient to determine the role of this variant in disease. Therefore, it has been classified as a Variant of Uncertain Significance. Advanced modeling of protein sequence and biophysical properties (such as structural, functional, and spatial information, amino acid conservation, physicochemical variation, residue mobility, and thermodynamic stability) performed at Invitae indicates that this missense variant is not expected to disrupt DICER1 protein function. ClinVar contains an entry for this variant (Variation ID: 821442). This variant has not been reported in the literature in individuals affected with DICER1-related conditions. This sequence change replaces glutamic acid, which is acidic and polar, with lysine, which is basic and polar, at codon 844 of the DICER1 protein (p.Glu844Lys).

Ambry Genetics
Classification: Uncertain significance for Hereditary cancer-predisposing syndrome. Last evaluated: 2019-02-23. Review status: criteria provided, single submitter. Criteria: Ambry Variant Classification Scheme 2023. Collection method: clinical testing. Allele origin: germline.
Comment: The p.E844K variant (also known as c.2530G>A), located in coding exon 15 of the DICER1 gene, results from a G to A substitution at nucleotide position 2530. The glutamic acid at codon 844 is replaced by lysine, an amino acid with similar properties. This amino acid position is well conserved in available vertebrate species. In addition, the in silico prediction for this alteration is inconclusive. Since supporting evidence is limited at this time, the clinical significance of this alteration remains unclear.